The following is an entry in ClinVar:

ClinVar aggregate classification (germline): Uncertain significance. Review status: criteria provided, multiple submitters, no conflicts (2 of 4 stars). 5 submissions from 5 submitters: Uncertain significance (5). Last evaluated 2025-04-14.

Conditions:
Neuropathy, hereditary sensory and autonomic, type 1A (HSAN1A). Also called: SPTLC1-Related Hereditary Sensory Neuropathy; NEUROPATHY, HEREDITARY SENSORY AND AUTONOMIC, TYPE IA; HSAN IA; HSN IA; NEUROPATHY, HEREDITARY SENSORY RADICULAR, AUTOSOMAL DOMINANT, TYPE 1A. Identifiers: MedGen C5235211, MONDO:0008086, OMIM 162400.
Hereditary sensory and autonomic neuropathy type 1 (HSAN1). Also called: HSAN 1; HSN Type I; Hereditary Sensory Neuropathy Type I. Identifiers: Orphanet 36386, MedGen C0020071, MONDO:0018213.
Inborn genetic diseases. Identifiers: MedGen C0950123, MeSH D030342.

gnomAD v4.1: 21 of 1,613,516 alleles (0.0013%); highest among the groups gnomAD compares: Non-Finnish European, 0.0017%; no homozygotes.

Submissions (5):

Women's Health and Genetics/Laboratory Corporation of America, LabCorp
Classification: Uncertain significance. Last evaluated: 2025-04-14. Review status: criteria provided, single submitter. Criteria: LabCorp Variant Classification Summary - May 2015. Collection method: clinical testing. Allele origin: germline.
Comment: Variant summary: SPTLC1 c.1160G>A (p.Gly387Glu) results in a non-conservative amino acid change located in the Aminotransferase, class I/classII, large domain (IPR004839) of the encoded protein sequence. Five of five in-silico tools predict a damaging effect of the variant on protein function. The variant allele was found at a frequency of 1.2e-05 in 251488 control chromosomes. The available data on variant occurrences in the general population are insufficient to allow any conclusion about variant significance. To our knowledge, no occurrence of c.1160G>A in individuals affected with Neuropathy, hereditary sensory and autonomic, type 1A and no experimental evidence demonstrating its impact on protein function have been reported. ClinVar contains an entry for this variant (Variation ID: 857854). Based on the evidence outlined above, the variant was classified as uncertain significance.

Ambry Genetics
Classification: Uncertain significance for Inborn genetic diseases. Last evaluated: 2025-01-24. Review status: criteria provided, single submitter. Criteria: Ambry Variant Classification Scheme 2023. Collection method: clinical testing. Allele origin: germline.

Labcorp Genetics (formerly Invitae), Labcorp
Classification: Uncertain significance for Hereditary sensory and autonomic neuropathy type 1. Last evaluated: 2022-05-01. Review status: criteria provided, single submitter. Criteria: Invitae Variant Classification Sherloc (09022015). Collection method: clinical testing. Allele origin: germline.
Comment: This variant has not been reported in the literature in individuals affected with SPTLC1-related conditions. ClinVar contains an entry for this variant (Variation ID: 857854). Advanced modeling of protein sequence and biophysical properties (such as structural, functional, and spatial information, amino acid conservation, physicochemical variation, residue mobility, and thermodynamic stability) performed at Invitae indicates that this missense variant is expected to disrupt SPTLC1 protein function. In summary, the available evidence is currently insufficient to determine the role of this variant in disease. Therefore, it has been classified as a Variant of Uncertain Significance. This variant is present in population databases (rs119482084, gnomAD 0.003%). This sequence change replaces glycine, which is neutral and non-polar, with glutamic acid, which is acidic and polar, at codon 387 of the SPTLC1 protein (p.Gly387Glu).

Illumina Laboratory Services, Illumina
Classification: Uncertain significance for Neuropathy, hereditary sensory and autonomic, type 1A. Last evaluated: 2017-04-27. Review status: criteria provided, single submitter. Criteria: ICSL Variant Classification Criteria 13 December 2019. Collection method: clinical testing. Allele origin: germline.

Breakthrough Genomics
Classification: Uncertain significance. Review status: criteria provided, single submitter. Criteria: ACMG Guidelines, 2015. Collection method: not provided. Allele origin: germline. Inheritance: Autosomal recessive inheritance. Affected: yes.

NM_006415.4(SPTLC1):c.1160G>A (p.Gly387Glu)

Gene: SPTLC1 (serine palmitoyltransferase long chain base subunit 1; minus strand). Cytogenetic location: 9q22.31.
Variant type: single nucleotide variant.
Coding change: c.1160G>A on transcript NM_006415.4 (MANE Select); coding-DNA position 1160, G replaced by A.
Protein change: p.Gly387Glu; replaces glycine 387 with glutamic acid.
Molecular consequence: missense variant.
Genome position (GRCh38, 1-based): chr9:92,038,342, C>T on the plus strand (G>A on the coding strand, the complement: SPTLC1 is on the minus strand). VCF-style: chr9-92038342-C-T. GRCh37 (hg19) VCF-style: chr9-94800624-C-T.
Other names: c.1160G>A, p.Gly387Glu (NM_001281303.2); c.794G>A, p.Gly265Glu (NM_001368272.1); c.695G>A, p.Gly232Glu (NM_001368273.1); short protein forms G232E, G265E, G387E.
Identifiers: ClinVar variation 857854 (VCV000857854.22), dbSNP rs119482084, ClinGen allele CA5121288.